The following is an entry in ClinVar:

NM_002547.3(OPHN1):c.1026-2A>G

Gene: OPHN1 (oligophrenin 1; minus strand). Cytogenetic location: Xq12.
Variant type: single nucleotide variant.
Coding change: c.1026-2A>G on transcript NM_002547.3 (MANE Select); the canonical splice acceptor site of the intron before coding-DNA position 1026, A replaced by G.
Molecular consequence: splice acceptor variant.
Genome position (GRCh38, 1-based): chrX:68,197,266, T>C on the plus strand (A>G on the coding strand, the complement: OPHN1 is on the minus strand). VCF-style: chrX-68197266-T-C. GRCh37 (hg19) VCF-style: chrX-67417108-T-C.
Other names: c.1026-2A>G (NM_001437258.1).
Identifiers: ClinVar variation 4533353 (VCV004533353.1).
Genomic context (GRCh38, chrX:68,197,266, plus strand): 5'-CTTCCATCCATAGCCTTCTGTTAGCTTCTGAAAGGGCCTGCAGAGTGATGGTTCCTGGCC[T>C]GAGGGGGAAAAAAATGGTAAGTATAAAGCAGAAAATTCAACTGAGAGAATGGAGTCTTGT-3'

ClinVar aggregate classification (germline): Pathogenic (1 of 4 stars; one submission).

Conditions:
Intellectual developmental disorder, X-linked, syndromic, Billuart type. Also called: MENTAL RETARDATION, X-LINKED 60; X-linked intellectual disability-cerebellar hypoplasia syndrome. Identifiers: Orphanet 137831, MedGen C1845366, MONDO:0010337, OMIM 300486.

Submission:

Daryl Scott Lab, Baylor College of Medicine
Classification: Pathogenic for Intellectual developmental disorder, X-linked, syndromic, Billuart type. Last evaluated: 2025-08-25. Review status: criteria provided, single submitter. Criteria: ACMG Guidelines, 2015. Collection method: clinical testing. Allele origin: de novo. Affected: yes. Observed: 1 hemizygote.
Comment: PVS1, PS2, PM2